The following is an entry in ClinVar:

NM_003265.3(TLR3):c.2198A>G (p.Tyr733Cys)

Gene: TLR3 (toll like receptor 3; plus strand). Cytogenetic location: 4q35.1.
Variant type: single nucleotide variant.
Coding change: c.2198A>G on transcript NM_003265.3 (MANE Select); coding-DNA position 2198, A replaced by G.
Protein change: p.Tyr733Cys; replaces tyrosine 733 with cysteine.
Molecular consequence: missense variant.
Genome position (GRCh38, 1-based): chr4:186,083,884, A>G. VCF-style: chr4-186083884-A-G. GRCh37 (hg19) VCF-style: chr4-187005038-A-G.
Other names: short protein forms Y733C.
Identifiers: ClinVar variation 1394241 (VCV001394241.8), dbSNP rs759638706, ClinGen allele CA3161532.
Genomic context (GRCh38, chr4:186,083,884, plus strand): 5'-TGTTGATTTTTATCTTTATTGTACTTCTCATCCACTTTGAGGGCTGGAGGATATCTTTTT[A>G]TTGGAATGTTTCAGTACATCGAGTTCTTGGTTTCAAAGAAATAGACAGACAGACAGAACA-3'
Protein context (NP_003256.1, residues 723-743): IHFEGWRISF[Tyr733Cys]WNVSVHRVLG

ClinVar aggregate classification (germline): Uncertain significance (1 of 4 stars; one submission).

Conditions:
Encephalopathy, acute, infection-induced (herpes-specific), susceptibility to, 1. Also called: Herpes simplex encephalitis, susceptibility to, 1. Identifiers: Orphanet 1930, MedGen C2750180, MONDO:0024563, OMIM 610551.

Allele frequency attached by ClinVar (database versions not stated): gnomAD exomes below 0.00001; ExAC 0.00001; gnomAD 0.00001.
gnomAD v4.1: 2 of 1,613,970 alleles (0.00012%); highest among the groups gnomAD compares: Non-Finnish European, 0.00017%; no homozygotes.

Submission:

Labcorp Genetics (formerly Invitae), Labcorp
Classification: Uncertain significance for Encephalopathy, acute, infection-induced (herpes-specific), susceptibility to, 1. Last evaluated: 2024-01-06. Review status: criteria provided, single submitter. Criteria: Invitae Variant Classification Sherloc (09022015). Collection method: clinical testing. Allele origin: germline.
Comment: This sequence change replaces tyrosine, which is neutral and polar, with cysteine, which is neutral and slightly polar, at codon 733 of the TLR3 protein (p.Tyr733Cys). This variant is present in population databases (rs759638706, gnomAD 0.0009%). This variant has not been reported in the literature in individuals affected with TLR3-related conditions. ClinVar contains an entry for this variant (Variation ID: 1394241). An algorithm developed to predict the effect of missense changes on protein structure and function (PolyPhen-2) suggests that this variant is likely to be disruptive. In summary, the available evidence is currently insufficient to determine the role of this variant in disease. Therefore, it has been classified as a Variant of Uncertain Significance.